The following is an entry in ClinVar:

NM_002691.4(POLD1):c.3091C>T (p.Pro1031Ser)

Gene: POLD1 (DNA polymerase delta 1, catalytic subunit; plus strand). Cytogenetic location: 19q13.33.
Variant type: single nucleotide variant.
Coding change: c.3091C>T on transcript NM_002691.4 (MANE Select); coding-DNA position 3091, C replaced by T.
Protein change: p.Pro1031Ser; replaces proline 1031 with serine.
Molecular consequence: missense variant. On other transcripts: non-coding transcript variant (1).
Genome position (GRCh38, 1-based): chr19:50,417,068, C>T. VCF-style: chr19-50417068-C-T. GRCh37 (hg19) VCF-style: chr19-50920325-C-T.
Other names: c.3091C>T (NM_002691.2); c.3091C>T, p.Pro1031Ser (NM_001256849.1); c.3169C>T, p.Pro1057Ser (NM_001308632.1); short protein forms P1057S, P1031S.
Identifiers: ClinVar variation 862606 (VCV000862606.10), dbSNP rs2039327767, ClinGen allele CA406987106.

ClinVar aggregate classification (germline): Conflicting classifications of pathogenicity. Review status: criteria provided, conflicting classifications (1 of 4 stars). 2 submissions from 2 submitters: Uncertain significance (1); Likely benign (1). Last evaluated 2025-09-02.

Conditions:
POLD1-related polyposis and colorectal cancer syndrome (CRCS10). Also called: Colorectal cancer 10; COLORECTAL CANCER, SUSCEPTIBILITY TO, ON CHROMOSOME 19q; Colorectal cancer, susceptibility to, 10. Identifiers: Orphanet 220460, MedGen C2675481, MONDO:0012953, OMIM 612591.
Hereditary cancer-predisposing syndrome. Also called: Tumor predisposition; Hereditary Cancer Syndrome; Hereditary neoplastic syndrome; Neoplastic Syndromes, Hereditary. Identifiers: Orphanet 140162, MedGen C0027672, MeSH D009386, MONDO:0015356.

Allele frequency attached by ClinVar (database versions not stated): gnomAD exomes below 0.00001.
gnomAD v4.1: 2 of 1,553,160 alleles (0.00013%); highest among the groups gnomAD compares: Non-Finnish European, 0.00017%; no homozygotes.

Submissions (2):

Labcorp Genetics (formerly Invitae), Labcorp
Classification: Uncertain significance for POLD1-related polyposis and colorectal cancer syndrome. Last evaluated: 2025-09-02. Review status: criteria provided, single submitter. Criteria: Invitae Variant Classification Sherloc (09022015). Collection method: clinical testing. Allele origin: germline.
Comment: This sequence change replaces proline, which is neutral and non-polar, with serine, which is neutral and polar, at codon 1031 of the POLD1 protein (p.Pro1031Ser). This variant is not present in population databases (gnomAD no frequency). This variant has not been reported in the literature in individuals affected with POLD1-related conditions. ClinVar contains an entry for this variant (Variation ID: 862606). Invitae Evidence Modeling of protein sequence and biophysical properties (such as structural, functional, and spatial information, amino acid conservation, physicochemical variation, residue mobility, and thermodynamic stability) indicates that this missense variant is not expected to disrupt POLD1 protein function with a negative predictive value of 80%. In summary, the available evidence is currently insufficient to determine the role of this variant in disease. Therefore, it has been classified as a Variant of Uncertain Significance.

Ambry Genetics
Classification: Likely benign for Hereditary cancer-predisposing syndrome. Last evaluated: 2025-07-24. Review status: criteria provided, single submitter. Criteria: Ambry Variant Classification Scheme 2023. Collection method: clinical testing. Allele origin: germline.